The following is an entry in ClinVar:

NM_000503.6(EYA1):c.1412T>C (p.Ile471Thr)

Gene: EYA1 (EYA transcriptional coactivator and phosphatase 1; minus strand). Cytogenetic location: 8q13.3.
Variant type: single nucleotide variant.
Coding change: c.1412T>C on transcript NM_000503.6 (MANE Select); coding-DNA position 1412, T replaced by C.
Protein change: p.Ile471Thr; replaces isoleucine 471 with threonine.
Molecular consequence: missense variant.
Genome position (GRCh38, 1-based): chr8:71,215,677, A>G on the plus strand (T>C on the coding strand, the complement: EYA1 is on the minus strand). VCF-style: chr8-71215677-A-G. GRCh37 (hg19) VCF-style: chr8-72127912-A-G.
Other names: c.1394T>C, p.Ile465Thr (NM_001288574.2, NM_172059.5); c.1046T>C, p.Ile349Thr (NM_001288575.2); c.1499T>C, p.Ile500Thr (NM_001370333.1); c.1412T>C, p.Ile471Thr (NM_001370334.1, NM_001370335.1, NM_172058.4); c.1391T>C, p.Ile464Thr (NM_001370336.1); c.1313T>C, p.Ile438Thr (NM_001411797.1, NM_172060.4); short protein forms I349T, I438T, I464T, I465T, I471T, I500T.
Identifiers: ClinVar variation 4083394 (VCV004083394.1).

ClinVar aggregate classification (germline): Uncertain significance (1 of 4 stars; one submission).

Submission:

GeneDx
Classification: Uncertain significance. Last evaluated: 2025-02-22. Review status: criteria provided, single submitter. Criteria: GeneDx Variant Classification Process June 2021. Collection method: clinical testing. Allele origin: germline. Affected: yes.
Comment: Reported in a patient in published literature with unilateral renal agenesis, but familial segregation information was not provided (PMID: 28618409); Not observed at significant frequency in large population cohorts (gnomAD); In silico analysis supports that this missense variant has a deleterious effect on protein structure/function; This variant is associated with the following publications: (PMID: 28618409)